The following is an entry in ClinVar:

ClinVar aggregate classification (germline): Uncertain significance. Review status: criteria provided, multiple submitters, no conflicts (2 of 4 stars). 3 submissions from 3 submitters: Uncertain significance (3). Last evaluated 2025-10-04.

gnomAD v4.1: 38 of 1,587,418 alleles (0.0024%); highest among the groups gnomAD compares: Middle Eastern, 0.067%; 1 homozygote.

Submissions (3):

Labcorp Genetics (formerly Invitae), Labcorp
Classification: Uncertain significance. Last evaluated: 2025-10-04. Review status: criteria provided, single submitter. Criteria: Invitae Variant Classification Sherloc (09022015). Collection method: clinical testing. Allele origin: germline.
Comment: This sequence change replaces serine, which is neutral and polar, with phenylalanine, which is neutral and non-polar, at codon 691 of the KIF23 protein (p.Ser691Phe). This variant is present in population databases (no rsID available, gnomAD 0.007%). This variant has not been reported in the literature in individuals affected with KIF23-related conditions. ClinVar contains an entry for this variant (Variation ID: 3380304). An algorithm developed to predict the effect of missense changes on protein structure and function (PolyPhen-2) suggests that this variant is likely to be disruptive. In summary, the available evidence is currently insufficient to determine the role of this variant in disease. Therefore, it has been classified as a Variant of Uncertain Significance.

Ambry Genetics
Classification: Uncertain significance. Last evaluated: 2025-08-23. Review status: criteria provided, single submitter. Criteria: Ambry Variant Classification Scheme 2023. Collection method: clinical testing. Allele origin: germline.

Mayo Clinic Laboratories, Mayo Clinic
Classification: Uncertain significance. Last evaluated: 2024-06-11. Review status: criteria provided, single submitter. Criteria: ACMG Guidelines, 2015. Collection method: clinical testing. Allele origin: germline. Observed: 1 variant allele.
Comment: BP4

NM_001367805.3(KIF23):c.2114C>T (p.Ser705Phe)

Gene: KIF23 (kinesin family member 23; plus strand). Cytogenetic location: 15q23.
Variant type: single nucleotide variant.
Coding change: c.2114C>T on transcript NM_001367805.3 (MANE Select); coding-DNA position 2114, C replaced by T.
Protein change: p.Ser705Phe; replaces serine 705 with phenylalanine.
Molecular consequence: missense variant. On other transcripts: non-coding transcript variant (1), intron variant (1).
Genome position (GRCh38, 1-based): chr15:69,440,772, C>T. VCF-style: chr15-69440772-C-T. GRCh37 (hg19) VCF-style: chr15-69733111-C-T.
Other names: p.Ser691Phe; c.1742C>T, p.Ser581Phe (NM_001281301.2); c.2072C>T, p.Ser691Phe (NM_001367804.2, NM_138555.4); c.2067+285C>T (NM_004856.7); c.2072C>T (NM_138555.2); short protein forms S581F, S691F, S705F.
Identifiers: ClinVar variation 3380304 (VCV003380304.3).
Genomic context (GRCh38, chr15:69,440,772, plus strand): 5'-AATTGTTTCTCTCAGTTTTTCAGTCTTGCTCATTAATTTTTCTCCAATTTTTCTAGCTTT[C>T]TAGTAACTATATTGCTCAGATTTCCAACGGCCAGCAACTCATGAGCCAGCCACAGCTACA-3'
Protein context (NP_001354734.1, residues 695-715): RSVSPSPVPL[Ser705Phe]SNYIAQISNG